The following is an entry in ClinVar:

ClinVar aggregate classification (germline): Uncertain significance (1 of 4 stars; one submission).

Submission:

Labcorp Genetics (formerly Invitae), Labcorp
Classification: Uncertain significance. Last evaluated: 2024-04-08. Review status: criteria provided, single submitter. Criteria: Invitae Variant Classification Sherloc (09022015). Collection method: clinical testing. Allele origin: germline.
Comment: This sequence change replaces glycine, which is neutral and non-polar, with serine, which is neutral and polar, at codon 835 of the FOCAD protein (p.Gly835Ser). This variant also falls at the last nucleotide of exon 22, which is part of the consensus splice site for this exon. This variant is not present in population databases (gnomAD no frequency). This variant has not been reported in the literature in individuals affected with FOCAD-related conditions. Experimental studies and prediction algorithms are not available or were not evaluated, and the functional significance of this variant is currently unknown. Variants that disrupt the consensus splice site are a relatively common cause of aberrant splicing (PMID: 17576681, 9536098). Algorithms developed to predict the effect of sequence changes on RNA splicing suggest that this variant may disrupt the consensus splice site. In summary, the available evidence is currently insufficient to determine the role of this variant in disease. Therefore, it has been classified as a Variant of Uncertain Significance.

Literature cited by the submitters: PubMed 17576681; PubMed 9536098.

NM_001375567.1(FOCAD):c.2503G>A (p.Gly835Ser)

Gene: FOCAD (focadhesin; plus strand). Cytogenetic location: 9p21.3.
Variant type: single nucleotide variant.
Coding change: c.2503G>A on transcript NM_001375567.1 (MANE Select); coding-DNA position 2503, G replaced by A.
Protein change: p.Gly835Ser; replaces glycine 835 with serine.
Molecular consequence: missense variant.
Genome position (GRCh38, 1-based): chr9:20,882,056, G>A. VCF-style: chr9-20882056-G-A. GRCh37 (hg19) VCF-style: chr9-20882055-G-A.
Other names: c.2398G>A, p.Gly800Ser (NM_001375568.1, NM_001375570.1); c.2503G>A, p.Gly835Ser (NM_017794.5); short protein forms G800S, G835S.
Identifiers: ClinVar variation 3632407 (VCV003632407.2).
Genomic context (GRCh38, chr9:20,882,056, plus strand): 5'-AATTTTATATTGAAAATGTATGAAACAAACAAGCAACCAGGACTGAAACCTGGCCTTGCA[G>A]GTAAGGGTAGTACATAGTATCAAAAATACAGGTTTTTCATGTAATGATTTAACTTCCACT-3'
Protein context (NP_001362496.1, residues 825-845): KQPGLKPGLA[Gly835Ser]GMLFCYDVSM